The following is an entry in ClinVar:

ClinVar aggregate classification (germline): Uncertain significance. Review status: criteria provided, multiple submitters, no conflicts (2 of 4 stars). 2 submissions from 2 submitters: Uncertain significance (2). Last evaluated 2025-07-15.

Allele frequency attached by ClinVar (database versions not stated): TOPMed below 0.00001; gnomAD exomes 0.00001; ESP Exome Variant Server 0.00008.

Submissions (2):

Ambry Genetics
Classification: Uncertain significance. Last evaluated: 2025-07-15. Review status: criteria provided, single submitter. Criteria: Ambry Variant Classification Scheme 2023. Collection method: clinical testing. Allele origin: germline.

Labcorp Genetics (formerly Invitae), Labcorp
Classification: Uncertain significance. Last evaluated: 2022-06-28. Review status: criteria provided, single submitter. Criteria: Invitae Variant Classification Sherloc (09022015). Collection method: clinical testing. Allele origin: germline.
Comment: Algorithms developed to predict the effect of missense changes on protein structure and function are either unavailable or do not agree on the potential impact of this missense change (SIFT: "Deleterious"; PolyPhen-2: "Possibly Damaging"; Align-GVGD: "Class C0"). In summary, the available evidence is currently insufficient to determine the role of this variant in disease. Therefore, it has been classified as a Variant of Uncertain Significance. This variant has not been reported in the literature in individuals affected with KIF20A-related conditions. This sequence change replaces alanine, which is neutral and non-polar, with threonine, which is neutral and polar, at codon 761 of the KIF20A protein (p.Ala761Thr). This variant is not present in population databases (gnomAD no frequency).

NM_005733.3(KIF20A):c.2281G>A (p.Ala761Thr)

Gene: KIF20A (kinesin family member 20A; plus strand). Cytogenetic location: 5q31.2.
Variant type: single nucleotide variant.
Coding change: c.2281G>A on transcript NM_005733.3 (MANE Select); coding-DNA position 2281, G replaced by A.
Protein change: p.Ala761Thr; replaces alanine 761 with threonine.
Molecular consequence: missense variant.
Genome position (GRCh38, 1-based): chr5:138,186,357, G>A. VCF-style: chr5-138186357-G-A. GRCh37 (hg19) VCF-style: chr5-137522046-G-A.
Other names: c.2281G>A (NM_005733.2); short protein forms A761T.
Identifiers: ClinVar variation 2091073 (VCV002091073.5), dbSNP rs376634823, ClinGen allele CA128188959.